The following is an entry in ClinVar:

ClinVar aggregate classification (germline): Likely benign. Review status: criteria provided, multiple submitters, no conflicts (2 of 4 stars). 2 submissions from 2 submitters: Likely benign (2). Last evaluated 2025-05-09.

Allele frequency attached by ClinVar (database versions not stated): ExAC 0.00001; gnomAD exomes 0.00001.
gnomAD v4.1: 16 of 1,593,088 alleles (0.001%); highest among the groups gnomAD compares: Middle Eastern, 0.033%; no homozygotes.

Submissions (2):

Women's Health and Genetics/Laboratory Corporation of America, LabCorp
Classification: Likely benign. Last evaluated: 2025-05-09. Review status: criteria provided, single submitter. Criteria: LabCorp Variant Classification Summary - May 2015. Collection method: clinical testing. Allele origin: germline.
Comment: Variant summary: ABCG8 c.1488+9G>A alters a nucleotide located at a position not widely known to affect splicing. Consensus agreement among computation tools predict no significant impact on normal splicing. However, these predictions have yet to be confirmed by functional studies. The variant allele was found at a frequency of 1.2e-05 in 251208 control chromosomes. The available data on variant occurrences in the general population are insufficient to allow any conclusion about variant significance. c.1488+9G>A has been observed in individual(s) affected with FH, without strong evidence for causality (Reeskamp_2020). This report does not provide unequivocal conclusions about association of the variant with Early Onset Coronary Artery Disease. To our knowledge, no experimental evidence demonstrating an impact on protein function has been reported. The following publication have been ascertained in the context of this evaluation (PMID: 32088153). ClinVar contains an entry for this variant (Variation ID: 1077279). Based on the evidence outlined above, the variant was classified as likely benign.

Labcorp Genetics (formerly Invitae), Labcorp
Classification: Likely benign. Last evaluated: 2024-02-08. Review status: criteria provided, single submitter. Criteria: Invitae Variant Classification Sherloc (09022015). Collection method: clinical testing. Allele origin: germline.

Literature cited by the submitters: PubMed 32088153 (cited by Women's Health and Genetics/Laboratory Corporation of America, LabCorp).

NM_022437.3(ABCG8):c.1488+9G>A

Gene: ABCG8 (ATP binding cassette subfamily G member 8; plus strand). Cytogenetic location: 2p21.
Variant type: single nucleotide variant.
Coding change: c.1488+9G>A on transcript NM_022437.3 (MANE Select); 9 bases into the intron after coding-DNA position 1488, G replaced by A.
Molecular consequence: intron variant.
Genome position (GRCh38, 1-based): chr2:43,874,492, G>A. VCF-style: chr2-43874492-G-A. GRCh37 (hg19) VCF-style: chr2-44101631-G-A.
Other names: c.1485+9G>A (NM_001357321.2).
Identifiers: ClinVar variation 1077279 (VCV001077279.9), dbSNP rs200207405, ClinGen allele CA1637474.